The following is an entry in ClinVar:

ClinVar aggregate classification (germline): Uncertain significance (1 of 4 stars; one submission).

Allele frequency attached by ClinVar (database versions not stated): ExAC 0.00001; gnomAD exomes 0.00002.
gnomAD v4.1: 25 of 1,614,054 alleles (0.0015%); highest among the groups gnomAD compares: Non-Finnish European, 0.0019%; no homozygotes.

Submission:

Labcorp Genetics (formerly Invitae), Labcorp
Classification: Uncertain significance. Last evaluated: 2022-02-08. Review status: criteria provided, single submitter. Criteria: Invitae Variant Classification Sherloc (09022015). Collection method: clinical testing. Allele origin: germline.
Comment: This sequence change falls in intron 19 of the ADAMTS17 gene. It does not directly change the encoded amino acid sequence of the ADAMTS17 protein. In summary, the available evidence is currently insufficient to determine the role of this variant in disease. Therefore, it has been classified as a Variant of Uncertain Significance. Algorithms developed to predict the effect of sequence changes on RNA splicing suggest that this variant may disrupt the consensus splice site. This variant has not been reported in the literature in individuals affected with ADAMTS17-related conditions. This variant is present in population databases (rs764249641, gnomAD 0.003%).

NM_139057.4(ADAMTS17):c.2797-10T>G

Gene: ADAMTS17 (ADAM metallopeptidase with thrombospondin type 1 motif 17; minus strand). Cytogenetic location: 15q26.3.
Variant type: single nucleotide variant.
Coding change: c.2797-10T>G on transcript NM_139057.4 (MANE Select); 10 bases into the intron before coding-DNA position 2797, T replaced by G.
Molecular consequence: intron variant.
Genome position (GRCh38, 1-based): chr15:99,993,210, A>C on the plus strand (T>G on the coding strand, the complement: ADAMTS17 is on the minus strand). VCF-style: chr15-99993210-A-C. GRCh37 (hg19) VCF-style: chr15-100533415-A-C.
Identifiers: ClinVar variation 1979529 (VCV001979529.2), dbSNP rs764249641, ClinGen allele CA7757562.